The following is an entry in ClinVar:

NM_003000.3(SDHB):c.424-3C>G

Gene: SDHB (succinate dehydrogenase complex iron sulfur subunit B; minus strand). Cytogenetic location: 1p36.13.
Variant type: single nucleotide variant.
Coding change: c.424-3C>G on transcript NM_003000.3 (MANE Select); 3 bases into the intron before coding-DNA position 424, C replaced by G.
Molecular consequence: intron variant.
Genome position (GRCh38, 1-based): chr1:17,027,868, G>C on the plus strand (C>G on the coding strand, the complement: SDHB is on the minus strand). VCF-style: chr1-17027868-G-C. GRCh37 (hg19) VCF-style: chr1-17354363-G-C.
Identifiers: ClinVar variation 578767 (VCV000578767.6), dbSNP rs1557741166, ClinGen allele CA658655537.

ClinVar aggregate classification (germline): Uncertain significance (1 of 4 stars; one submission).

Conditions:
Pheochromocytoma. Also called: MAX-Related Hereditary Paraganglioma-Pheochromocytoma Syndrome. Identifiers: Orphanet 29072, MedGen C0031511, MONDO:0008233, OMIM 171300, HP:0002666.
Pheochromocytoma/paraganglioma syndrome 4. Also called: PARAGANGLIOMA, FAMILIAL MALIGNANT; PARAGANGLIOMAS, HEREDITARY EXTRAADRENAL; PHEOCHROMOCYTOMA, FAMILIAL EXTRAADRENAL; SDHB-Related Hereditary Paraganglioma-Pheochromocytoma Syndrome (Paragangliomas 4); CAROTID BODY TUMORS AND MULTIPLE EXTRAADRENAL PHEOCHROMOCYTOMAS; SDHB-Related Hereditary Paraganglioma-Pheochromocytoma Syndrome. Identifiers: Orphanet 29072, MedGen C1861848, MONDO:0007273, OMIM 115310.
Gastrointestinal stromal tumor. Also called: Gastrointestinal stromal tumor, somatic; Gastrointestinal stroma tumor. Identifiers: Orphanet 44890, MedGen C0238198, MeSH D046152, MONDO:0011719, OMIM 606764, HP:0100723.

Submission:

Labcorp Genetics (formerly Invitae), Labcorp
Classification: Uncertain significance for Gastrointestinal stromal tumor; Pheochromocytoma/paraganglioma syndrome 4; Pheochromocytoma. Last evaluated: 2024-05-21. Review status: criteria provided, single submitter. Criteria: Invitae Variant Classification Sherloc (09022015). Collection method: clinical testing. Allele origin: germline.
Comment: This sequence change falls in intron 4 of the SDHB gene. It does not directly change the encoded amino acid sequence of the SDHB protein. It affects a nucleotide within the consensus splice site. This variant is not present in population databases (gnomAD no frequency). This variant has been observed in individual(s) with pheochromocytoma and/or paraganglioma (PMID: 15328326, 26269449). This variant is also known as c.558-3C>G. ClinVar contains an entry for this variant (Variation ID: 578767). Variants that disrupt the consensus splice site are a relatively common cause of aberrant splicing (PMID: 17576681, 9536098). Algorithms developed to predict the effect of sequence changes on RNA splicing suggest that this variant may disrupt the consensus splice site. In summary, the available evidence is currently insufficient to determine the role of this variant in disease. Therefore, it has been classified as a Variant of Uncertain Significance.

Literature cited by the submitters: PubMed 15328326; PubMed 26269449; PubMed 17576681; PubMed 9536098.